The following is an entry in ClinVar:

ClinVar aggregate classification (germline): Uncertain significance (1 of 4 stars; one submission).

Conditions:
46,XY sex reversal 9 (SRXY9). Also called: 46,XY SEX REVERSAL, ZFPM2-RELATED. Identifiers: Orphanet 251510, MedGen C4015129, MONDO:0014480, OMIM 616067.

Allele frequency attached by ClinVar (database versions not stated): gnomAD exomes 0.00002 and 0.00013; ExAC 0.00004; gnomAD 0.00006; TOPMed 0.00009; ESP Exome Variant Server 0.00016.
gnomAD v4.1: 199 of 1,611,046 alleles (0.012%); highest among the groups gnomAD compares: Non-Finnish European, 0.016%; no homozygotes.

Submission:

Labcorp Genetics (formerly Invitae), Labcorp
Classification: Uncertain significance for 46,XY sex reversal 9. Last evaluated: 2024-01-17. Review status: criteria provided, single submitter. Criteria: Invitae Variant Classification Sherloc (09022015). Collection method: clinical testing. Allele origin: germline.
Comment: This sequence change replaces lysine, which is basic and polar, with glutamic acid, which is acidic and polar, at codon 865 of the ZFPM2 protein (p.Lys865Glu). This variant is present in population databases (rs367893066, gnomAD 0.007%). This missense change has been observed in individual(s) with diaphragmatic hernia (PMID: 24702427). ClinVar contains an entry for this variant (Variation ID: 1025375). An algorithm developed to predict the effect of missense changes on protein structure and function (PolyPhen-2) suggests that this variant is likely to be disruptive. In summary, the available evidence is currently insufficient to determine the role of this variant in disease. Therefore, it has been classified as a Variant of Uncertain Significance.

Literature cited by the submitters: PubMed 24702427.

NM_012082.4(ZFPM2):c.2593A>G (p.Lys865Glu)

Genes: ZFPM2 (zinc finger protein, FOG family member 2; plus strand), ZFPM2-AS1 (ZFPM2 antisense RNA 1; minus strand), LOC126860469 (BRD4-independent group 4 enhancer GRCh37_chr8:106814445-106815644; plus strand). Cytogenetic location: 8q23.1.
Variant type: single nucleotide variant.
Coding change: c.2593A>G on transcript NM_012082.4 (MANE Select); coding-DNA position 2593, A replaced by G.
Protein change: p.Lys865Glu; replaces lysine 865 with glutamic acid.
Molecular consequence: missense variant.
Genome position (GRCh38, 1-based): chr8:105,802,675, A>G. VCF-style: chr8-105802675-A-G. GRCh37 (hg19) VCF-style: chr8-106814903-A-G.
Other names: c.2434A>G, p.Lys812Glu (NM_001362836.2); c.2197A>G, p.Lys733Glu (NM_001362837.2); short protein forms K733E, K812E, K865E.
Identifiers: ClinVar variation 1025375 (VCV001025375.9), dbSNP rs367893066, ClinGen allele CA4839931.
Genomic context (GRCh38, chr8:105,802,675, plus strand): 5'-ACGTCTCCCAAAAGGCTGCTGGACTATCACGAGTGCACTGTGTGCAAGATCAGTTTCAAT[A>G]AGGTAGAAAACTATCTGGCCCACAAGCAGAATTTCTGCCCGGTTACTGCACATCAGCGTA-3'
Protein context (NP_036214.2, residues 855-875): ECTVCKISFN[Lys865Glu]VENYLAHKQN